The following is an entry in ClinVar:

NM_138420.4(AHNAK2):c.10561C>A (p.Leu3521Ile)

Gene: AHNAK2 (AHNAK nucleoprotein 2; minus strand). Cytogenetic location: 14q32.33.
Variant type: single nucleotide variant.
Coding change: c.10561C>A on transcript NM_138420.4 (MANE Select); coding-DNA position 10561, C replaced by A.
Protein change: p.Leu3521Ile; replaces leucine 3521 with isoleucine.
Molecular consequence: missense variant.
Genome position (GRCh38, 1-based): chr14:104,944,890, G>T on the plus strand (C>A on the coding strand, the complement: AHNAK2 is on the minus strand). VCF-style: chr14-104944890-G-T. GRCh37 (hg19) VCF-style: chr14-105411227-G-T.
Other names: c.10261C>A, p.Leu3421Ile (NM_001350929.2); short protein forms L3421I, L3521I.
Identifiers: ClinVar variation 3100082 (VCV003100082.6), dbSNP rs188246903, ClinGen allele CA7379066.

ClinVar aggregate classification (germline): Conflicting classifications of pathogenicity. Review status: criteria provided, conflicting classifications (1 of 4 stars). 2 submissions from 2 submitters: Uncertain significance (1); Likely benign (1). Last evaluated 2026-01-01.

Allele frequency attached by ClinVar (database versions not stated): ESP Exome Variant Server 0.00008; ExAC 0.00022; gnomAD 0.00045; TOPMed 0.00057; 1000 Genomes Project 0.00100; 1000 Genomes Project 30x 0.00109.
gnomAD v4.1: 380 of 1,613,188 alleles (0.024%); highest among the groups gnomAD compares: Admixed American, 0.11%; 2 homozygotes.

Submissions (2):

CeGaT Center for Human Genetics Tuebingen
Classification: Likely benign. Last evaluated: 2026-01-01. Review status: criteria provided, single submitter. Criteria: CeGaT Center For Human Genetics Tuebingen Variant Classification Criteria Version 2. Collection method: clinical testing. Allele origin: germline. Affected: yes. Observed: 1 variant allele.
Comment: AHNAK2: BP4, BS2

Ambry Genetics
Classification: Uncertain significance. Last evaluated: 2025-11-07. Review status: criteria provided, single submitter. Criteria: Ambry Variant Classification Scheme 2023. Collection method: clinical testing. Allele origin: germline.